The following is an entry in ClinVar:

NM_024408.4(NOTCH2):c.1652C>G (p.Pro551Arg)

Gene: NOTCH2 (notch receptor 2; minus strand). Cytogenetic location: 1p12.
Variant type: single nucleotide variant.
Coding change: c.1652C>G on transcript NM_024408.4 (MANE Select); coding-DNA position 1652, C replaced by G.
Protein change: p.Pro551Arg; replaces proline 551 with arginine.
Molecular consequence: missense variant.
Genome position (GRCh38, 1-based): chr1:119,965,482, G>C on the plus strand (C>G on the coding strand, the complement: NOTCH2 is on the minus strand). VCF-style: chr1-119965482-G-C. GRCh37 (hg19) VCF-style: chr1-120508105-G-C.
Other names: c.1652C>G, p.Pro551Arg (NM_001200001.2); short protein forms P551R.
Identifiers: ClinVar variation 4993177 (VCV004993177.1).

ClinVar aggregate classification (germline): Uncertain significance (1 of 4 stars; one submission).

Conditions:
NOTCH2-related disorder. Also called: NOTCH2-related condition.

Submission:

PreventionGenetics, part of Exact Sciences
Classification: Uncertain significance for NOTCH2-related condition. Last evaluated: 2026-08-05. Review status: criteria provided, single submitter. Criteria: ACMG Guidelines, 2015. Collection method: clinical testing. Allele origin: germline.
Comment: The NOTCH2 c.1652C>G variant is predicted to result in the amino acid substitution p.Pro551Arg. To our knowledge, this variant has not been reported in the literature or in a large population database (gnomAD), indicating this variant is rare. At this time, the clinical significance of this variant is uncertain due to the absence of conclusive functional and genetic evidence.